The following is an entry in ClinVar:

ClinVar aggregate classification (germline): Conflicting classifications of pathogenicity. Review status: criteria provided, conflicting classifications (1 of 4 stars). 8 submissions from 8 submitters: Uncertain significance (3); Benign (1); Likely benign (3). 1 of the submissions does not count toward it. Last evaluated 2026-09-01.

Conditions:
Cardiovascular phenotype. Identifiers: MedGen CN230736.
Brittle cornea syndrome 1 (BCS1). Also called: Corneal fragility keratoglobus, blue sclerae AND joint hypermobility; DYSGENESIS MESODERMALIS CORNEAE ET SCLERAE; CORNEAL FRAGILITY, KERATOGLOBUS, BLUE SCLERAE, JOINT HYPEREXTENSIBILITY; EDS6B; FRAGILITAS OCULI WITH JOINT HYPEREXTENSIBILITY. Identifiers: Orphanet 90354, MedGen C0268344, MONDO:0024543, OMIM 229200.
ZNF469-related disorder. Also called: ZNF469-related condition.

Allele frequency attached by ClinVar (database versions not stated): gnomAD 0.00130 and 0.00135; TOPMed 0.00163; 1000 Genomes Project 0.00180; 1000 Genomes Project 30x 0.00250.
gnomAD v4.1: 378 of 1,545,660 alleles (0.024%); highest among the groups gnomAD compares: African/African-American, 0.45%; 2 homozygotes.

Submissions (8):

CeGaT Center for Human Genetics Tuebingen
Classification: Likely benign. Last evaluated: 2026-09-01. Review status: criteria provided, single submitter. Criteria: CeGaT Center For Human Genetics Tuebingen Variant Classification Criteria Version 2. Collection method: clinical testing. Allele origin: germline. Affected: yes. Observed: 1 variant allele.
Comment: ZNF469: BS2

Women's Health and Genetics/Laboratory Corporation of America, LabCorp
Classification: Likely benign. Last evaluated: 2026-03-24. Review status: criteria provided, single submitter. Criteria: LabCorp Variant Classification Summary - May 2015. Collection method: clinical testing. Allele origin: germline.
Comment: Variant summary: ZNF469 c.10330G>C (p.Gly3444Arg) results in a non-conservative amino acid change in the encoded protein sequence. Algorithms developed to predict the effect of missense changes on protein structure and function are either unavailable or do not agree on the potential impact of this missense change. The variant allele was found at a frequency of 0.00027 in 144254 control chromosomes, predominantly at a frequency of 0.0039 within the African or African-American subpopulation in the gnomAD database. The observed variant frequency within African or African-American control individuals in the gnomAD database exceeds the estimated maximal expected allele frequency for disease-causing variants in ZNF469. To our knowledge, no occurrence of c.10330G>C in individuals affected with ZNF469-related conditions and no experimental evidence demonstrating its impact on protein function have been reported. ClinVar contains an entry for this variant (Variation ID: 321014). Based on the evidence outlined above, the variant was classified as likely benign.

Labcorp Genetics (formerly Invitae), Labcorp
Classification: Likely benign. Last evaluated: 2026-01-24. Review status: criteria provided, single submitter. Criteria: Invitae Variant Classification Sherloc (09022015). Collection method: clinical testing. Allele origin: germline.

Blueprint Genetics
Classification: Uncertain significance. Last evaluated: 2024-10-09. Review status: criteria provided, single submitter. Criteria: ACMG Guidelines, 2015. Collection method: clinical testing. Allele origin: germline.

Ambry Genetics
Classification: Benign for Cardiovascular phenotype. Last evaluated: 2023-04-13. Review status: criteria provided, single submitter. Criteria: Ambry Variant Classification Scheme 2023. Collection method: clinical testing. Allele origin: germline.

Fulgent Genetics
Classification: Uncertain significance for Brittle cornea syndrome 1. Last evaluated: 2018-10-31. Review status: criteria provided, single submitter. Criteria: ACMG Guidelines, 2015. Collection method: clinical testing. Allele origin: unknown.

GeneDx
Classification: Uncertain significance. Last evaluated: 2017-03-27. Review status: criteria provided, single submitter. Criteria: GeneDx Variant Classification (06012015). Collection method: clinical testing. Allele origin: germline. Affected: yes.
Comment: A variant of uncertain significance has been identified in the ZNF469 gene. The G3416R variant has not been published as pathogenic or been reported as benign to our knowledge. The G3416R variant is a non-conservative amino acid substitution, which is likely to impact secondary protein structure as these residues differ in polarity, charge, size and/or other properties. Nevertheless, this substitution occurs at a position that is not conserved across species and in silico analysis is inconsistent in its predictions as to whether or not the variant is damaging to the protein structure/function. Additionally, G3416R has been observed in 2/166 (1.2%) alleles from individuals of Latino ancestry and in 2/596 (0.3%) alleles from individuals of African ancestry in large population cohorts (Lek et al., 2016; 1000 Genomes Consortium et al., 2015).

PreventionGenetics, part of Exact Sciences
Classification: Likely benign for ZNF469-related condition. Last evaluated: 2024-02-20. Review status: no assertion criteria provided. Collection method: clinical testing. Allele origin: germline. Not counted in ClinVar's aggregate classification.
Comment: This variant is classified as likely benign based on ACMG/AMP sequence variant interpretation guidelines (Richards et al. 2015 PMID: 25741868, with internal and published modifications).

NM_001367624.2(ZNF469):c.10330G>C (p.Gly3444Arg)

Gene: ZNF469 (zinc finger protein 469; plus strand). Cytogenetic location: 16q24.2.
Variant type: single nucleotide variant.
Coding change: c.10330G>C on transcript NM_001367624.2 (MANE Select); coding-DNA position 10330, G replaced by C.
Protein change: p.Gly3444Arg; replaces glycine 3444 with arginine.
Molecular consequence: missense variant.
Genome position (GRCh38, 1-based): chr16:88,437,800, G>C. VCF-style: chr16-88437800-G-C. GRCh37 (hg19) VCF-style: chr16-88504208-G-C.
Other names: NM_001127464.1:c.10246G>C; NM_001127464.2:c.10246G>C; short protein forms G3444R.
Identifiers: ClinVar variation 321014 (VCV000321014.22), dbSNP rs569602115, ClinGen allele CA8225502.